The following is an entry in ClinVar:

NM_000400.4(ERCC2):c.2251A>C (p.Lys751Gln)

Gene: ERCC2 (ERCC excision repair 2, TFIIH core complex helicase subunit; minus strand). Cytogenetic location: 19q13.32.
Variant type: single nucleotide variant.
Coding change: c.2251A>C on transcript NM_000400.4 (MANE Select); coding-DNA position 2251, A replaced by C.
Protein change: p.Lys751Gln; replaces lysine 751 with glutamine.
Molecular consequence: missense variant.
Genome position (GRCh38, 1-based): chr19:45,351,661, T>G on the plus strand (A>C on the coding strand, the complement: ERCC2 is on the minus strand). VCF-style: chr19-45351661-T-G. GRCh37 (hg19) VCF-style: chr19-45854919-T-G.
Other names: short protein forms K751Q.
Identifiers: ClinVar variation 134105 (VCV000134105.29), dbSNP rs13181, ClinGen allele CA158782.

ClinVar aggregate classification (germline): Benign/Likely benign. Review status: criteria provided, multiple submitters, no conflicts (2 of 4 stars). 14 submissions from 12 submitters: Benign (8); Likely benign (3). 3 of the submissions do not count toward it. Last evaluated 2026-02-04.

Conditions:
Trichothiodystrophy 1, photosensitive (TTD1). Also called: TAY SYNDROME; TRICHOTHIODYSTROPHY WITH CONGENITAL ICHTHYOSIS; PIBIDS SYNDROME. Identifiers: Orphanet 33364, MedGen C1866504, MONDO:0011125, OMIM 601675.
Cerebrooculofacioskeletal syndrome 2 (COFS2). Identifiers: MedGen C1853102, MONDO:0012553, OMIM 610756.
Xeroderma pigmentosum, group D (XPD). Also called: XERODERMA PIGMENTOSUM IV; XP, GROUP D; XP, GROUP H; XERODERMA PIGMENTOSUM, COMPLEMENTATION GROUP D; ERCC2-Related Xeroderma Pigmentosum. Identifiers: MedGen C0268138, MONDO:0010212, OMIM 278730.

Allele frequency attached by ClinVar (database versions not stated): 1000 Genomes Project 0.23662; 1000 Genomes Project 30x 0.23938; TOPMed 0.29453; gnomAD 0.31508 and 0.31719; ESP Exome Variant Server 0.32600.

Submissions (14):

Labcorp Genetics (formerly Invitae), Labcorp
Classification: Benign. Last evaluated: 2026-02-04. Review status: criteria provided, single submitter. Criteria: Invitae Variant Classification Sherloc (09022015). Collection method: clinical testing. Allele origin: germline.

Blueprint Genetics
Classification: Likely benign. Last evaluated: 2024-11-28. Review status: criteria provided, single submitter. Criteria: ACMG Guidelines, 2015. Collection method: clinical testing. Allele origin: germline.

Women's Health and Genetics/Laboratory Corporation of America, LabCorp
Classification: Likely benign. Last evaluated: 2021-12-03. Review status: criteria provided, single submitter. Criteria: LabCorp Variant Classification Summary - May 2015. Collection method: clinical testing. Allele origin: germline.

Genome-Nilou Lab
Classification: Benign for Cerebrooculofacioskeletal syndrome 2. Last evaluated: 2021-07-30. Review status: criteria provided, single submitter. Criteria: ACMG Guidelines, 2015. Collection method: clinical testing. Allele origin: germline. Affected: no.

Genome-Nilou Lab
Classification: Benign for Trichothiodystrophy 1, photosensitive. Last evaluated: 2021-07-30. Review status: criteria provided, single submitter. Criteria: ACMG Guidelines, 2015. Collection method: clinical testing. Allele origin: germline. Affected: no.

Genome-Nilou Lab
Classification: Benign for Xeroderma pigmentosum, group D. Last evaluated: 2021-07-30. Review status: criteria provided, single submitter. Criteria: ACMG Guidelines, 2015. Collection method: clinical testing. Allele origin: germline. Affected: no.

GeneDx
Classification: Benign. Last evaluated: 2019-02-13. Review status: criteria provided, single submitter. Criteria: GeneDx Variant Classification Process June 2021. Collection method: clinical testing. Allele origin: germline. Affected: yes.
Comment: This variant is associated with the following publications: (PMID: 24645270, 17630853, 27306318, 24325908, 26482462, 26001739, 25873778, 24101192, 25113251, 24362511, 25023406, 24787743, 22183071, 24892639, 29723101, 29989875, 24763305, 26354780, 24556168, 26086338, 24486506, 24368330, 9950243, 18230301, 19051060, 24728327, 20514470, 22844363, 19027756, 21617750, 21667112, 21559836, 19669592, 22525558, 19116388, 18534129, 21390047, 19615095, 20375340, 19055600, 18641418, 22179996, 22184993, 20627704, 14630517, 10753184, 19919686, 22496165, 19707883, 22797977, 20204500, 27153395)

Illumina Laboratory Services, Illumina
Classification: Benign for Xeroderma pigmentosum, group D. Last evaluated: 2018-03-06. Review status: criteria provided, single submitter. Criteria: ICSL Variant Classification Criteria 13 December 2019. Collection method: clinical testing. Allele origin: germline.
Comment: This variant was observed in the ICSL laboratory as part of a predisposition screen in an ostensibly healthy population. It had not been previously curated by ICSL or reported in the Human Gene Mutation Database (HGMD: prior to June 1st, 2018), and was therefore a candidate for classification through an automated scoring system. Utilizing variant allele frequency, disease prevalence and penetrance estimates, and inheritance mode, an automated score was calculated to assess if this variant is too frequent to cause the disease. Based on the score and internal cut-off values, a variant classified as benign is not then subjected to further curation. The score for this variant resulted in a classification of benign for this disease.

Laboratory for Molecular Medicine, Mass General Brigham Personalized Medicine
Classification: Benign. Last evaluated: 2016-03-28. Review status: criteria provided, single submitter. Criteria: LMM Criteria. Collection method: clinical testing. Allele origin: germline.
Comment: Variant identified in a genome or exome case(s) and assessed due to predicted null impact of the variant or pathogenic assertions in the literature or databases. Disclaimer: This variant has not undergone full assessment. The following are preliminary notes: Frequency, variant associated with reduced cancer risk

Breakthrough Genomics
Classification: Likely benign. Review status: criteria provided, single submitter. Criteria: ACMG Guidelines, 2015. Collection method: not provided. Allele origin: germline. Inheritance: Autosomal recessive inheritance. Affected: yes.

PreventionGenetics, part of Exact Sciences
Classification: Benign. Review status: criteria provided, single submitter. Criteria: ACMG Guidelines, 2015. Collection method: clinical testing. Allele origin: germline.

ITMI
No classification provided. Condition: AllHighlyPenetrant. Last evaluated: 2013-09-19. Review status: no classification provided. Collection method: reference population. Allele origin: germline. Not counted in ClinVar's aggregate classification.
Comment: Please see associated publication for description of ethnicities

Clinical Genetics DNA and cytogenetics Diagnostics Lab, Erasmus MC, Erasmus Medical Center
Classification: Benign. Review status: no assertion criteria provided. Collection method: clinical testing. Allele origin: germline. Affected: yes. Study: VKGL Data-share Consensus. Not counted in ClinVar's aggregate classification.

Diagnostic Laboratory, Department of Genetics, University Medical Center Groningen
Classification: Benign. Review status: no assertion criteria provided. Collection method: clinical testing. Allele origin: germline. Affected: yes. Study: VKGL Data-share Consensus. Not counted in ClinVar's aggregate classification.

Literature cited by the submitters: PubMed 24728327 (cited by ITMI).